The following is an entry in ClinVar:

NM_006231.4(POLE):c.1380G>A (p.Val460=)

Gene: POLE (DNA polymerase epsilon, catalytic subunit; minus strand). Cytogenetic location: 12q24.33.
Variant type: single nucleotide variant.
Coding change: c.1380G>A on transcript NM_006231.4 (MANE Select); coding-DNA position 1380, G replaced by A.
Protein change: p.Val460=; no amino-acid change (valine 460 retained).
Molecular consequence: synonymous variant.
Genome position (GRCh38, 1-based): chr12:132,673,257, C>T on the plus strand (G>A on the coding strand, the complement: POLE is on the minus strand). VCF-style: chr12-132673257-C-T. GRCh37 (hg19) VCF-style: chr12-133249843-C-T.
Identifiers: ClinVar variation 3225388 (VCV003225388.2), dbSNP rs2135996843, ClinGen allele CA482722708.

ClinVar aggregate classification (germline): Benign/Likely benign. Review status: criteria provided, multiple submitters, no conflicts (2 of 4 stars). 2 submissions from 2 submitters: Benign (1); Likely benign (1). Last evaluated 2025-02-11.

Conditions:
Hereditary cancer-predisposing syndrome. Also called: Neoplastic Syndromes, Hereditary; Tumor predisposition; Hereditary neoplastic syndrome; Hereditary Cancer Syndrome. Identifiers: Orphanet 140162, MedGen C0027672, MeSH D009386, MONDO:0015356.
Colorectal cancer, susceptibility to, 12 (CRCS12). Also called: COLORECTAL CANCER, SUSCEPTIBILITY TO, ON CHROMOSOME 12q24. Identifiers: Orphanet 220460, MedGen C3554460, MONDO:0014038, OMIM 615083.

Submissions (2):

Myriad Genetics, Inc.
Classification: Benign for Colorectal cancer, susceptibility to, 12. Last evaluated: 2025-02-11. Review status: criteria provided, single submitter. Criteria: Myriad Autosomal Dominant, Autosomal Recessive and X-Linked Classification Criteria (2023). Collection method: clinical testing. Allele origin: unknown.
Comment: This variant is considered benign. This variant is a silent/synonymous amino acid change and it is not expected to impact splicing.

Ambry Genetics
Classification: Likely benign for Hereditary cancer-predisposing syndrome. Last evaluated: 2024-02-24. Review status: criteria provided, single submitter. Criteria: Ambry Variant Classification Scheme 2023. Collection method: clinical testing. Allele origin: germline.